The following is an entry in ClinVar:

NM_004544.4(NDUFA10):c.771A>G (p.Gln257=)

Gene: NDUFA10 (NADH:ubiquinone oxidoreductase subunit A10; minus strand). Cytogenetic location: 2q37.3.
Variant type: single nucleotide variant.
Coding change: c.771A>G on transcript NM_004544.4 (MANE Select); coding-DNA position 771, A replaced by G.
Protein change: p.Gln257=; no amino-acid change (glutamine 257 retained).
Molecular consequence: synonymous variant. On other transcripts: non-coding transcript variant (4).
Genome position (GRCh38, 1-based): chr2:240,007,349, T>C on the plus strand (A>G on the coding strand, the complement: NDUFA10 is on the minus strand). VCF-style: chr2-240007349-T-C. GRCh37 (hg19) VCF-style: chr2-240946766-T-C.
Other names: c.771A>G, p.Gln257= (NM_001322019.2, NM_001322020.2).
Identifiers: ClinVar variation 129686 (VCV000129686.27), dbSNP rs13848, ClinGen allele CA153845.

ClinVar aggregate classification (germline): Benign. Review status: criteria provided, multiple submitters, no conflicts (2 of 4 stars). 9 submissions from 8 submitters: Benign (7). 2 of the submissions do not count toward it. Last evaluated 2026-02-03.

Conditions:
Leigh syndrome (NULS). Also called: Leigh Disease; Subacute necrotizing encephalopathy; Necrotizing encephalopathy infantile subacute of Leigh; Leigh's necrotizing encephalopathy; Leigh's disease; Leigh Syndrome (mtDNA deletion). Identifiers: Orphanet 506, MedGen C2931891, MONDO:0009723, OMIM 256000.
Mitochondrial complex I deficiency, nuclear type 1. Also called: NADH-COENZYME Q REDUCTASE DEFICIENCY; MITOCHONDRIAL NADH DEHYDROGENASE COMPONENT OF COMPLEX I, DEFICIENCY OF. Identifiers: MedGen C6022305, MONDO:0100224, OMIM 252010.
Mitochondrial complex I deficiency, nuclear type 22. Also called: Mitochondrial complex 1 deficiency, nuclear type 22. Identifiers: MedGen C4748796, MONDO:0032626, OMIM 618243.

Allele frequency attached by ClinVar (database versions not stated): 1000 Genomes Project 30x 0.35462; 1000 Genomes Project 0.35623; ESP Exome Variant Server 0.36769; TOPMed 0.38045; gnomAD 0.38677 and 0.38961; gnomAD exomes 0.40009 and 0.40142; ExAC 0.40644.
gnomAD v4.1: 633,034 of 1,582,734 alleles (40%); highest among the groups gnomAD compares: Admixed American, 46%; 130,223 homozygotes.

Submissions (9):

Labcorp Genetics (formerly Invitae), Labcorp
Classification: Benign. Last evaluated: 2026-02-03. Review status: criteria provided, single submitter. Criteria: Invitae Variant Classification Sherloc (09022015). Collection method: clinical testing. Allele origin: germline.

Blueprint Genetics
Classification: Benign. Last evaluated: 2024-11-26. Review status: criteria provided, single submitter. Criteria: ACMG Guidelines, 2015. Collection method: clinical testing. Allele origin: germline.

Genome-Nilou Lab
Classification: Benign for Mitochondrial complex I deficiency, nuclear type 22. Last evaluated: 2021-09-05. Review status: criteria provided, single submitter. Criteria: ACMG Guidelines, 2015. Collection method: clinical testing. Allele origin: germline. Affected: no.

Illumina Laboratory Services, Illumina
Classification: Benign for Mitochondrial complex I deficiency, nuclear type 1. Last evaluated: 2018-01-12. Review status: criteria provided, single submitter. Criteria: ICSL Variant Classification Criteria 13 December 2019. Collection method: clinical testing. Allele origin: germline.
Comment: This variant was observed in the ICSL laboratory as part of a predisposition screen in an ostensibly healthy population. It had not been previously curated by ICSL or reported in the Human Gene Mutation Database (HGMD: prior to June 1st, 2018), and was therefore a candidate for classification through an automated scoring system. Utilizing variant allele frequency, disease prevalence and penetrance estimates, and inheritance mode, an automated score was calculated to assess if this variant is too frequent to cause the disease. Based on the score and internal cut-off values, a variant classified as benign is not then subjected to further curation. The score for this variant resulted in a classification of benign for this disease.

Illumina Laboratory Services, Illumina
Classification: Benign for Leigh syndrome. Last evaluated: 2018-01-12. Review status: criteria provided, single submitter. Criteria: ICSL Variant Classification Criteria 13 December 2019. Collection method: clinical testing. Allele origin: germline.
Comment: the same text as in the submission from Illumina Laboratory Services, Illumina above.

GeneDx
Classification: Benign. Last evaluated: 2015-03-03. Review status: criteria provided, single submitter. Criteria: GeneDx Variant Classification Process June 2021. Collection method: clinical testing. Allele origin: germline. Affected: yes.

Breakthrough Genomics
Classification: Benign. Review status: criteria provided, single submitter. Criteria: ACMG Guidelines, 2015. Collection method: not provided. Allele origin: germline. Inheritance: Autosomal recessive inheritance. Affected: yes.

Mayo Clinic Laboratories, Mayo Clinic
Classification: Benign. Last evaluated: 2016-02-22. Review status: no assertion criteria provided. Collection method: clinical testing. Allele origin: unknown. Not counted in ClinVar's aggregate classification.

Genetic Services Laboratory, University of Chicago
Classification: Likely benign for AllHighlyPenetrant. Review status: no assertion criteria provided. Collection method: clinical testing. Allele origin: germline. Inheritance: Autosomal recessive inheritance. Not counted in ClinVar's aggregate classification.
Comment: Likely benign based on allele frequency in 1000 Genomes Project or ESP global frequency and its presence in a patient with a rare or unrelated disease phenotype. NOT Sanger confirmed.